The following is an entry in ClinVar:

ClinVar aggregate classification (germline): Pathogenic. Review status: criteria provided, multiple submitters, no conflicts (2 of 4 stars). 11 submissions from 11 submitters: Pathogenic (7). 4 of the submissions do not count toward it. Last evaluated 2025-12-17.

Conditions:
FANCA-related disorder. Also called: FANCA-related condition.
FANCA-related disorders.
Fanconi anemia (FA). Also called: Fanconi's anemia. Identifiers: Orphanet 84, MedGen C0015625, MeSH D005199, MONDO:0019391.
Fanconi anemia complementation group A (FANCA). Also called: Fanconi anemia, group A; FANCA-Related Fanconi Anemia. Identifiers: Orphanet 84, MedGen C3469521, MONDO:0009215, OMIM 227650.

Allele frequency attached by ClinVar (database versions not stated): TOPMed 0.00003.
gnomAD v4.1: 20 of 1,614,090 alleles (0.0012%); highest among the groups gnomAD compares: African/African-American, 0.0053%; no homozygotes.

Submissions (11):

Labcorp Genetics (formerly Invitae), Labcorp
Classification: Pathogenic for Fanconi anemia. Last evaluated: 2025-12-17. Review status: criteria provided, single submitter. Criteria: Invitae Variant Classification Sherloc (09022015). Collection method: clinical testing. Allele origin: germline.
Comment: This sequence change replaces arginine, which is basic and polar, with tryptophan, which is neutral and slightly polar, at codon 1055 of the FANCA protein (p.Arg1055Trp). This variant is present in population databases (rs753063086, gnomAD 0.01%). This missense change has been observed in individuals with Fanconi anemia (PMID: 9929978, 10094191, 15523645, 19367192). ClinVar contains an entry for this variant (Variation ID: 555008). Invitae Evidence Modeling of protein sequence and biophysical properties (such as structural, functional, and spatial information, amino acid conservation, physicochemical variation, residue mobility, and thermodynamic stability) indicates that this missense variant is expected to disrupt FANCA protein function with a positive predictive value of 95%. Experimental studies have shown that this missense change affects FANCA function (PMID: 12444097, 24349332, 28864460). This variant disrupts the p.Arg1055 amino acid residue in FANCA. Other variant(s) that disrupt this residue have been observed in individuals with FANCA-related conditions (PMID: 24584348), which suggests that this may be a clinically significant amino acid residue. For these reasons, this variant has been classified as Pathogenic.

Natera, Inc.
Classification: Pathogenic for Fanconi anemia. Last evaluated: 2025-07-30. Review status: criteria provided, single submitter. Criteria: Natera Variant Classification Schema (03/2026). Collection method: clinical testing. Allele origin: germline.
Comment: The c.3163C>T variant in FANCA is a missense variant predicted to cause substitution of arginine to tryptophan at amino acid 1055. This variant is rare in the general population with a frequency below the threshold expected for the associated phenotype(s). This variant has been observed in one or more individuals affected with the associated recessive disease, as either homozygous or compound heterozygous with a second variant (PMID: 36894310, 35417938, 36167633, 23934222, 15523645, 9929978). Computational prediction algorithms indicate this variant is likely to affect gene or protein function. Given the available evidence, this variant is classified as Pathogenic.

Dasa
Classification: Pathogenic. Last evaluated: 2024-12-20. Review status: criteria provided, single submitter. Criteria: DASA Assertion Criteria. Collection method: clinical testing. Allele origin: germline.
Comment: NM_000135.4(FANCA):c.3163C>T (p.Arg1055Trp) is a missense variant that results in the substitution of arginine with tryptophan. The affected residue or protein region has prior evidence supporting clinical relevance. This variant has been observed in affected individuals with related phenotype in a genotype context consistent with recessive disease. Functional evidence supports a deleterious effect on the gene or gene product. The variant is present at low frequency in population datasets. Based on the available data, this variant is classified as pathogenic.

Fulgent Genetics
Classification: Pathogenic for Fanconi anemia complementation group A. Last evaluated: 2024-04-25. Review status: criteria provided, single submitter. Criteria: ACMG Guidelines, 2015. Collection method: clinical testing. Allele origin: germline.

Baylor Genetics
Classification: Pathogenic for Fanconi anemia complementation group A. Last evaluated: 2024-03-05. Review status: criteria provided, single submitter. Criteria: ACMG Guidelines, 2015. Collection method: clinical testing. Allele origin: unknown.

Blueprint Genetics
Classification: Pathogenic for FANCA-related disorders. Last evaluated: 2024-01-02. Review status: criteria provided, single submitter. Criteria: ACMG Guidelines, 2015. Collection method: clinical testing. Allele origin: germline. Affected: yes. Observed: 5 variant alleles.

Quest Diagnostics Nichols Institute San Juan Capistrano
Classification: Pathogenic. Last evaluated: 2021-09-08. Review status: criteria provided, single submitter. Criteria: Quest Diagnostics criteria. Collection method: clinical testing. Allele origin: unknown.
Comment: The best available variant frequency is uninformative because there are too few occurrences in population data. Analysis of this variant using bioinformatics tools for the prediction of the effect of amino acid changes on protein structure and function yielded conflicting predictions. Another pathogenic or likely pathogenic variant affects the same amino acid. The variant occurs with multiple lone recessive pathogenic variants in the same gene. Functional studies have shown that this variant has a deleterious effect on protein function.

PreventionGenetics, part of Exact Sciences
Classification: Pathogenic for FANCA-related condition. Last evaluated: 2024-02-19. Review status: no assertion criteria provided. Collection method: clinical testing. Allele origin: germline. Not counted in ClinVar's aggregate classification.
Comment: The FANCA c.3163C>T variant is predicted to result in the amino acid substitution p.Arg1055Trp. This variant was reported to be causative for autosomal recessive Fanconi anemia, and functional studies support its pathogenicity (Nakamura et al. 1999. PubMed ID: 9929978; Yagasaki et al. 2004. PubMed ID: 15523645; Moghrabi et al. 2009. PubMed ID: 19367192; Qian et al. 2013. PubMed ID: 24349332; Wilkes et al. 2017. PubMed ID: 28864460). This variant is reported in 0.012% of alleles in individuals of African descent in gnomAD and is interpreted as pathogenic or likely pathogenic in ClinVar. Different nucleotide substitutions affecting the same amino acid (p.Arg1055Gln, p.Arg1055Leu, p.Arg1055Gly) have also been reported in individuals with autosomal recessive Fanconi anemia (Human Gene Mutation Database). Taken together, the c.3163C>T (p.Arg1055Trp) variant is interpreted as pathogenic.

Leiden Open Variation Database
Classification: Pathogenic for Fanconi anemia complementation group A. Last evaluated: 2020-02-28. Review status: no assertion criteria provided. Collection method: curation. Allele origin: germline. Affected: yes. Not counted in ClinVar's aggregate classification.
Comment: Curator: Arleen D. Auerbach. Submitter to LOVD: Arleen D. Auerbach.

Counsyl
Classification: Likely pathogenic for Fanconi anemia complementation group A. Last evaluated: 2017-11-10. Review status: no assertion criteria provided. Collection method: clinical testing. Allele origin: unknown. Not counted in ClinVar's aggregate classification.

Medical Laboratory Center, Huzhou Maternal and Child Health Hospital
Classification: Likely pathogenic for Fanconi anemia complementation group A. Review status: no assertion criteria provided. Collection method: research. Allele origin: germline. Not counted in ClinVar's aggregate classification.

Literature cited by the submitters: PubMed 9929978 (cited by 4 submitters); PubMed 10094191 (cited by 4 submitters); PubMed 15523645 (cited by 5 submitters); PubMed 19367192 (cited by 3 submitters); PubMed 12444097 (cited by 4 submitters); PubMed 24349332 (cited by 3 submitters); PubMed 28864460 (cited by 3 submitters); PubMed 24584348 (cited by Labcorp Genetics (formerly Invitae), Labcorp); PubMed 36894310 (cited by Natera, Inc.); PubMed 35417938 (cited by Natera, Inc.); PubMed 36167633 (cited by Natera, Inc.); PubMed 23934222 (cited by Natera, Inc. and Counsyl); PubMed 28717661 (cited by Quest Diagnostics Nichols Institute San Juan Capistrano); PubMed 32002546 (cited by Quest Diagnostics Nichols Institute San Juan Capistrano); PubMed 33224012 (cited by Quest Diagnostics Nichols Institute San Juan Capistrano); PubMed 33224011 (cited by Quest Diagnostics Nichols Institute San Juan Capistrano).

NM_000135.4(FANCA):c.3163C>T (p.Arg1055Trp)

Gene: FANCA (FA complementation group A; minus strand). Cytogenetic location: 16q24.3.
Variant type: single nucleotide variant.
Coding change: c.3163C>T on transcript NM_000135.4 (MANE Select); coding-DNA position 3163, C replaced by T.
Protein change: p.Arg1055Trp; replaces arginine 1055 with tryptophan.
Molecular consequence: missense variant.
Genome position (GRCh38, 1-based): chr16:89,749,806, G>A on the plus strand (C>T on the coding strand, the complement: FANCA is on the minus strand). VCF-style: chr16-89749806-G-A. GRCh37 (hg19) VCF-style: chr16-89816214-G-A.
Other names: c.3163C>T (NM_000135.3, LRG_495t1); c.3163C>T, p.Arg1055Trp (NM_001286167.3); short protein forms R1055W.
Identifiers: ClinVar variation 555008 (VCV000555008.26), dbSNP rs753063086, ClinGen allele CA8251314.